The following is an entry in ClinVar:

NM_000505.4(F12):c.71A>G (p.Glu24Gly)

Gene: F12 (coagulation factor XII; minus strand). Cytogenetic location: 5q35.3.
Variant type: single nucleotide variant.
Coding change: c.71A>G on transcript NM_000505.4 (MANE Select); coding-DNA position 71, A replaced by G.
Protein change: p.Glu24Gly; replaces glutamic acid 24 with glycine.
Molecular consequence: missense variant.
Genome position (GRCh38, 1-based): chr5:177,409,090, T>C on the plus strand (A>G on the coding strand, the complement: F12 is on the minus strand). VCF-style: chr5-177409090-T-C. GRCh37 (hg19) VCF-style: chr5-176836091-T-C.
Other names: short protein forms E24G.
Identifiers: ClinVar variation 2629882 (VCV002629882.1), dbSNP rs2481048012, ClinGen allele CA362335109.

ClinVar aggregate classification (germline): Uncertain significance (1 of 4 stars; one submission).

Conditions:
F12-related disorder. Also called: F12-related condition; F12-related disorders. Identifiers: MedGen CN239389.

Allele frequency attached by ClinVar (database versions not stated): gnomAD exomes below 0.00001.

Submission:

PreventionGenetics, part of Exact Sciences
Classification: Uncertain significance for F12-related condition. Last evaluated: 2022-12-21. Review status: criteria provided, single submitter. Criteria: ACMG Guidelines, 2015. Collection method: clinical testing. Allele origin: germline.
Comment: The F12 c.71A>G variant is predicted to result in the amino acid substitution p.Glu24Gly. To our knowledge, this variant has not been reported in the literature or in a large population database, indicating this variant is rare. At this time, the clinical significance of this variant is uncertain due to the absence of conclusive functional and genetic evidence.